The following is an entry in ClinVar:

ClinVar aggregate classification (germline): Pathogenic (1 of 4 stars; one submission).

Conditions:
Neurodevelopmental disorder with microcephaly, hypotonia, and variable brain anomalies (NMIHBA). Identifiers: Orphanet 544469, MedGen C4479566, MONDO:0060490, OMIM 617481.

gnomAD v4.1: 1 of 1,604,590 alleles (0.000062%); highest among the groups gnomAD compares: South Asian, 0.0011%; no homozygotes.

Submission:

Victorian Clinical Genetics Services, Murdoch Childrens Research Institute
Classification: Pathogenic for Neurodevelopmental disorder with microcephaly, hypotonia, and variable brain anomalies. Last evaluated: 2024-10-08. Review status: criteria provided, single submitter. Criteria: ACMG Guidelines, 2015. Collection method: clinical testing. Allele origin: germline. Inheritance: Autosomal recessive inheritance. Affected: yes.
Comment: Based on the classification scheme VCGS_Germline_v1.3.4, this variant is classified as Pathogenic. Following criteria are met: 0102 - Loss of function is a known mechanism of disease in this gene and is associated with neurodevelopmental disorder with microcephaly, hypotonia, and variable brain anomalies (MIM#617481). (I) 0106 - This gene is associated with autosomal recessive disease. (I) 0201 - Variant is predicted to cause nonsense-mediated decay (NMD) and loss of protein (premature termination codon is located at least 54 nucleotides upstream of the final exon-exon junction). (SP) 0252 - This variant is homozygous. (I) 0301 - Variant is absent from gnomAD (both v2 and v3). (SP) 0702 - Other NMD-predicted variants comparable to the one identified in this case have strong previous evidence for pathogenicity (ClinVar, PMID: 33105479). (SP) 0807 - This variant has no previous evidence of pathogenicity. (I) 0905 - No published segregation evidence has been identified for this variant. (I) 1007 - No published functional evidence has been identified for this variant. (I) Legend: (SP) - Supporting pathogenic, (I) - Information, (SB) - Supporting benign

Literature cited by the submitters: PubMed 33105479.

NM_021222.3(PRUNE1):c.762T>A (p.Tyr254Ter)

Gene: PRUNE1 (prune exopolyphosphatase 1; plus strand). Cytogenetic location: 1q21.3.
Variant type: single nucleotide variant.
Coding change: c.762T>A on transcript NM_021222.3 (MANE Select); coding-DNA position 762, T replaced by A.
Protein change: p.Tyr254Ter; replaces tyrosine 254 with a stop codon.
Molecular consequence: nonsense. On other transcripts: non-coding transcript variant (4).
Genome position (GRCh38, 1-based): chr1:151,027,315, T>A. VCF-style: chr1-151027315-T-A. GRCh37 (hg19) VCF-style: chr1-150999791-T-A.
Other names: c.216T>A, p.Tyr72Ter (NM_001303229.2); c.762T>A, p.Tyr254Ter (NM_001303242.2); c.159T>A, p.Tyr53Ter (NM_001303243.2); short protein forms Y254*, Y53*, Y72*.
Identifiers: ClinVar variation 3376986 (VCV003376986.1).